The following is an entry in ClinVar:

ClinVar aggregate classification (germline): Benign. Review status: criteria provided, multiple submitters, no conflicts (2 of 4 stars). 2 submissions from 2 submitters: Benign (2). Last evaluated 2018-06-16.

Allele frequency attached by ClinVar (database versions not stated): 1000 Genomes Project 30x 0.03795; gnomAD 0.03854 and 0.04025; TOPMed 0.03855; 1000 Genomes Project 0.04073.
gnomAD v4.1: 22,877 of 1,017,384 alleles (2.2%); highest among the groups gnomAD compares: African/African-American, 8.5%; 433 homozygotes.

Submissions (2):

GeneDx
Classification: Benign. Last evaluated: 2018-06-16. Review status: criteria provided, single submitter. Criteria: GeneDx Variant Classification (06012015). Collection method: clinical testing. Allele origin: germline. Affected: yes.
Comment: This variant is considered likely benign or benign based on one or more of the following criteria: it is a conservative change, it occurs at a poorly conserved position in the protein, it is predicted to be benign by multiple in silico algorithms, and/or has population frequency not consistent with disease.

Breakthrough Genomics
Classification: Benign. Review status: criteria provided, single submitter. Criteria: ACMG Guidelines, 2015. Collection method: not provided. Allele origin: germline. Inheritance: Autosomal recessive inheritance. Affected: yes.

NM_025114.4(CEP290):c.442-85C>T

Gene: CEP290 (centrosomal protein 290; minus strand). Cytogenetic location: 12q21.32.
Variant type: single nucleotide variant.
Coding change: c.442-85C>T on transcript NM_025114.4 (MANE Select); 85 bases into the intron before coding-DNA position 442, C replaced by T.
Molecular consequence: intron variant.
Genome position (GRCh38, 1-based): chr12:88,131,303, G>A on the plus strand (C>T on the coding strand, the complement: CEP290 is on the minus strand). VCF-style: chr12-88131303-G-A. GRCh37 (hg19) VCF-style: chr12-88525080-G-A.
Identifiers: ClinVar variation 670926 (VCV000670926.2), dbSNP rs115764060, ClinGen allele CA241158536.